The following is an entry in ClinVar:

NM_007294.4(BRCA1):c.218T>G (p.Leu73Arg)

Gene: BRCA1 (BRCA1 DNA repair associated; minus strand). Cytogenetic location: 17q21.31.
Variant type: single nucleotide variant.
Coding change: c.218T>G on transcript NM_007294.4 (MANE Select); coding-DNA position 218, T replaced by G.
Protein change: p.Leu73Arg; replaces leucine 73 with arginine.
Molecular consequence: missense variant. On other transcripts: non-coding transcript variant (1).
Genome position (GRCh38, 1-based): chr17:43,104,951, A>C on the plus strand (T>G on the coding strand, the complement: BRCA1 is on the minus strand). VCF-style: chr17-43104951-A-C. GRCh37 (hg19) VCF-style: chr17-41256968-A-C.
Other names: c.140T>G, p.Leu47Arg (NM_001407875.1, NM_001408409.1, NM_001408411.1 and 21 more transcripts); c.8T>G, p.Leu3Arg (NM_001407879.1, NM_001407881.1, NM_001407882.1 and 58 more transcripts); c.218T>G, p.Leu73Arg (NM_001407919.1, NM_001407937.1, NM_001407938.1 and 168 more transcripts); c.77T>G, p.Leu26Arg (NM_001407920.1, NM_001407921.1, NM_001407922.1 and 99 more transcripts); c.-164T>G (NM_001407959.1, NM_001407960.1, NM_001407962.1 and 4 more transcripts); c.86T>G, p.Leu29Arg (NM_001408451.1); short protein forms L73R, L26R, L29R, L3R, L47R.
Identifiers: ClinVar variation 865291 (VCV000865291.3), dbSNP rs2054697650, ClinGen allele CA10601725.

Conditions:
Breast-ovarian cancer, familial, susceptibility to, 1 (BROVCA1). Also called: BRCA1 Hereditary Breast and Ovarian Cancer; OVARIAN CANCER, SUSCEPTIBILITY TO. Identifiers: Orphanet 145, MedGen C2676676, MONDO:0011450, OMIM 604370. Disease mechanism: loss of function.

Submission:

Brotman Baty Institute, University of Washington
No classification provided (evidence only). Condition: Breast-ovarian cancer, familial 1. Review status: no classification provided. Collection method: in vitro. Allele origin: not applicable. Functional consequence: functionally_abnormal.
ClinVar note: "not provided" was previously submitted as the classification for the variant. However, the classification appeared to be based only on an observation of functional data so it was converted to no classification on 2025-07-30.